The following is an entry in ClinVar:

ClinVar aggregate classification (germline): Uncertain significance. Review status: criteria provided, multiple submitters, no conflicts (2 of 4 stars). 2 submissions from 2 submitters: Uncertain significance (2). Last evaluated 2025-05-27.

Allele frequency attached by ClinVar (database versions not stated): gnomAD exomes 0.00004 and 0.00008; gnomAD 0.00013 and 0.00016; 1000 Genomes Project 30x 0.00016; TOPMed 0.00020.

Submissions (2):

Labcorp Genetics (formerly Invitae), Labcorp
Classification: Uncertain significance. Last evaluated: 2025-05-27. Review status: criteria provided, single submitter. Criteria: Invitae Variant Classification Sherloc (09022015). Collection method: clinical testing. Allele origin: germline.
Comment: This sequence change replaces arginine, which is basic and polar, with histidine, which is basic and polar, at codon 926 of the PDZD7 protein (p.Arg926His). This variant is present in population databases (no rsID available, gnomAD 0.04%). This variant has not been reported in the literature in individuals affected with PDZD7-related conditions. ClinVar contains an entry for this variant (Variation ID: 853138). Experimental studies and prediction algorithms are not available or were not evaluated, and the functional significance of this variant is currently unknown. In summary, the available evidence is currently insufficient to determine the role of this variant in disease. Therefore, it has been classified as a Variant of Uncertain Significance.

GeneDx
Classification: Uncertain significance. Last evaluated: 2024-03-18. Review status: criteria provided, single submitter. Criteria: GeneDx Variant Classification Process June 2021. Collection method: clinical testing. Allele origin: germline. Affected: yes.
Comment: In silico analysis supports that this missense variant does not alter protein structure/function; Has not been previously published as pathogenic or benign to our knowledge

NM_001195263.2(PDZD7):c.2777G>A (p.Arg926His)

Gene: PDZD7 (PDZ domain containing 7; minus strand). Cytogenetic location: 10q24.31.
Variant type: single nucleotide variant.
Coding change: c.2777G>A on transcript NM_001195263.2 (MANE Select); coding-DNA position 2777, G replaced by A.
Protein change: p.Arg926His; replaces arginine 926 with histidine.
Molecular consequence: missense variant.
Genome position (GRCh38, 1-based): chr10:101,008,792, C>T on the plus strand (G>A on the coding strand, the complement: PDZD7 is on the minus strand). VCF-style: chr10-101008792-C-T. GRCh37 (hg19) VCF-style: chr10-102768549-C-T.
Other names: short protein forms R926H.
Identifiers: ClinVar variation 853138 (VCV000853138.9), dbSNP rs1052665117, ClinGen allele CA212977389.